The following is an entry in ClinVar:

ClinVar aggregate classification (germline): Pathogenic (1 of 4 stars; one submission).

Submission:

Labcorp Genetics (formerly Invitae), Labcorp
Classification: Pathogenic. Last evaluated: 2021-11-22. Review status: criteria provided, single submitter. Criteria: Invitae Variant Classification Sherloc (09022015). Collection method: clinical testing. Allele origin: germline.
Comment: For these reasons, this variant has been classified as Pathogenic. This variant disrupts a region of the ZNF469 protein in which other variant(s) (p.Arg3414Glyfs*59) have been determined to be pathogenic (PMID: 32671420). This suggests that this is a clinically significant region of the protein, and that variants that disrupt it are likely to be disease-causing. This variant has not been reported in the literature in individuals affected with ZNF469-related conditions. This variant is not present in population databases (gnomAD no frequency). This sequence change creates a premature translational stop signal (p.Gln3060Argfs*101) in the ZNF469 gene. While this is not anticipated to result in nonsense mediated decay, it is expected to disrupt the last 866 amino acid(s) of the ZNF469 protein.

Literature cited by the submitters: PubMed 32671420.

NM_001367624.2(ZNF469):c.9243_9262dup (p.Gln3088fs)

Gene: ZNF469 (zinc finger protein 469; plus strand). Cytogenetic location: 16q24.2.
Variant type: Duplication.
Coding change: c.9243_9262dup on transcript NM_001367624.2 (MANE Select); coding-DNA positions 9243 to 9262, 20 bases duplicated (GGCGAGCTCACAGGGGCCAC).
Protein change: p.Gln3088fs; shifts the reading frame from glutamine 3088.
Molecular consequence: frameshift variant.
Genome position (GRCh38, 1-based): chr16:88,436,713-88,436,732, GGCGAGCTCACAGGGGCCAC duplicated; duplicating any 20 consecutive bases within chr16:88,436,710-88,436,732 gives the same sequence; the c. name uses the placement nearest the transcript's 3' end. VCF-style (leftmost placement, unchanged base first): chr16-88436709-G-GCACGGCGAGCTCACAGGGGC. GRCh37 (hg19) VCF-style: chr16-88503117-G-GCACGGCGAGCTCACAGGGGC.
Other names: short protein forms Q3088fs.
Identifiers: ClinVar variation 1454416 (VCV001454416.6), dbSNP rs1906604347, ClinGen allele CA2241072303.
Genomic context (GRCh38, chr16:88,436,709, plus strand): 5'-TTCTGGGACCCTTTGAAGACCCCGTGGGTCTCCCCGGCCCCAGCTTCTTAGACTTCGAGG[G>GCACGGCGAGCTCACAGGGGC]CACGGCGAGCTCACAGGGGCCACAGAGCCGAAGGACAGAGGAGGCTGCAGGGGCAGGGAG-3'